The following is an entry in ClinVar:

ClinVar aggregate classification (germline): Likely benign. Review status: criteria provided, multiple submitters, no conflicts (2 of 4 stars). 3 submissions from 3 submitters: Likely benign (2). 1 of the submissions does not count toward it. Last evaluated 2025-05-12.

Conditions:
ADAMTS18-related disorder. Also called: ADAMTS18-related condition.

Allele frequency attached by ClinVar (database versions not stated): gnomAD 0.00009.
gnomAD v4.1: 55 of 1,613,968 alleles (0.0034%); highest among the groups gnomAD compares: Admixed American, 0.017%; no homozygotes.

Submissions (3):

Labcorp Genetics (formerly Invitae), Labcorp
Classification: Likely benign. Last evaluated: 2025-05-12. Review status: criteria provided, single submitter. Criteria: Invitae Variant Classification Sherloc (09022015). Collection method: clinical testing. Allele origin: germline.

Blueprint Genetics
Classification: Likely benign. Last evaluated: 2024-01-31. Review status: criteria provided, single submitter. Criteria: ACMG Guidelines, 2015. Collection method: clinical testing. Allele origin: germline.

PreventionGenetics, part of Exact Sciences
Classification: Likely benign for ADAMTS18-related condition. Last evaluated: 2019-09-13. Review status: no assertion criteria provided. Collection method: clinical testing. Allele origin: germline. Not counted in ClinVar's aggregate classification.
Comment: This variant is classified as likely benign based on ACMG/AMP sequence variant interpretation guidelines (Richards et al. 2015 PMID: 25741868, with internal and published modifications).

NM_199355.4(ADAMTS18):c.972+7G>A

Gene: ADAMTS18 (ADAM metallopeptidase with thrombospondin type 1 motif 18; minus strand). Cytogenetic location: 16q23.1.
Variant type: single nucleotide variant.
Coding change: c.972+7G>A on transcript NM_199355.4 (MANE Select); 7 bases into the intron after coding-DNA position 972, G replaced by A.
Molecular consequence: intron variant.
Genome position (GRCh38, 1-based): chr16:77,364,181, C>T on the plus strand (G>A on the coding strand, the complement: ADAMTS18 is on the minus strand). VCF-style: chr16-77364181-C-T. GRCh37 (hg19) VCF-style: chr16-77398078-C-T.
Other names: c.972+7G>A (NM_199355.3); c.456+7G>A (NM_001326358.2).
Identifiers: ClinVar variation 1155933 (VCV001155933.12), dbSNP rs917230582, ClinGen allele CA284437765.